The following is an entry in ClinVar:

ClinVar aggregate classification (germline): Uncertain significance (1 of 4 stars; one submission).

Conditions:
Developmental delay with or without dysmorphic facies and autism. Identifiers: MedGen C5193106, MONDO:0032760, OMIM 618454.

Allele frequency attached by ClinVar (database versions not stated): gnomAD exomes below 0.00001; TOPMed below 0.00001.
gnomAD v4.1: 1 of 1,602,962 alleles (0.000062%); highest among the groups gnomAD compares: Non-Finnish European, 0.000085%; no homozygotes.

Submission:

MGZ Medical Genetics Center
Classification: Uncertain significance for Developmental delay with or without dysmorphic facies and autism. Last evaluated: 2022-05-04. Review status: criteria provided, single submitter. Criteria: ACMG Guidelines, 2015. Collection method: clinical testing. Allele origin: germline. Affected: yes. Observed: 1 variant allele.
Comment: ACMG criteria applied: PM2_SUP, PP2

NM_001375524.1(TRRAP):c.455A>G (p.His152Arg)

Gene: TRRAP (transformation/transcription domain associated protein; plus strand). Cytogenetic location: 7q22.1.
Variant type: single nucleotide variant.
Coding change: c.455A>G on transcript NM_001375524.1 (MANE Select); coding-DNA position 455, A replaced by G.
Protein change: p.His152Arg; replaces histidine 152 with arginine.
Molecular consequence: missense variant.
Genome position (GRCh38, 1-based): chr7:98,895,768, A>G. VCF-style: chr7-98895768-A-G. GRCh37 (hg19) VCF-style: chr7-98493391-A-G.
Other names: c.455A>G, p.His152Arg (NM_001244580.2, NM_003496.4); short protein forms H152R.
Identifiers: ClinVar variation 1709337 (VCV001709337.2), dbSNP rs1554405635, ClinGen allele CA368278414.
Genomic context (GRCh38, chr7:98,895,768, plus strand): 5'-TGGGTATTTTCTGTTTATGAATATCTTCCTATAACGAAAGTGTCTGCTTTTTTTAGATTC[A>G]TCATTTTCTGGATTTTGTGAAACAGATTTACAAGGAGCTTCCAAAAGTAGTGGTATGTTT-3'
Protein context (NP_001362453.1, residues 142-162): QFRPPITQEI[His152Arg]HFLDFVKQIY